The following is an entry in ClinVar:

ClinVar aggregate classification (germline): Uncertain significance. Review status: criteria provided, multiple submitters, no conflicts (2 of 4 stars). 2 submissions from 2 submitters: Uncertain significance (2). Last evaluated 2022-10-12.

Conditions:
Inborn genetic diseases. Identifiers: MedGen C0950123, MeSH D030342.
Combined immunodeficiency due to DOCK8 deficiency (HIES2). Also called: HIES autosomal recessive; DOCK8 Deficiency; Hyper-IgE recurrent infection syndrome, autosomal recessive; HYPER-IgE SYNDROME 2, AUTOSOMAL RECESSIVE, WITH RECURRENT INFECTIONS; HYPER-IgE RECURRENT INFECTION SYNDROME 2, AUTOSOMAL RECESSIVE. Identifiers: Orphanet 217390, MedGen C4722305, MONDO:0009478, OMIM 243700.

Allele frequency attached by ClinVar (database versions not stated): gnomAD exomes below 0.00001; TOPMed below 0.00001; gnomAD 0.00001.

Submissions (2):

Ambry Genetics
Classification: Uncertain significance for Inborn genetic diseases. Last evaluated: 2022-10-12. Review status: criteria provided, single submitter. Criteria: Ambry Variant Classification Scheme 2023. Collection method: clinical testing. Allele origin: germline.

Labcorp Genetics (formerly Invitae), Labcorp
Classification: Uncertain significance for Combined immunodeficiency due to DOCK8 deficiency. Last evaluated: 2022-04-08. Review status: criteria provided, single submitter. Criteria: Invitae Variant Classification Sherloc (09022015). Collection method: clinical testing. Allele origin: germline.
Comment: This sequence change replaces asparagine, which is neutral and polar, with serine, which is neutral and polar, at codon 133 of the DOCK8 protein (p.Asn133Ser). This variant is present in population databases (no rsID available, gnomAD 0.01%). This variant has not been reported in the literature in individuals affected with DOCK8-related conditions. Algorithms developed to predict the effect of missense changes on protein structure and function (SIFT, PolyPhen-2, Align-GVGD) all suggest that this variant is likely to be tolerated. In summary, the available evidence is currently insufficient to determine the role of this variant in disease. Therefore, it has been classified as a Variant of Uncertain Significance.

NM_203447.4(DOCK8):c.398A>G (p.Asn133Ser)

Gene: DOCK8 (dedicator of cytokinesis 8; plus strand). Cytogenetic location: 9p24.3.
Variant type: single nucleotide variant.
Coding change: c.398A>G on transcript NM_203447.4 (MANE Select); coding-DNA position 398, A replaced by G.
Protein change: p.Asn133Ser; replaces asparagine 133 with serine.
Molecular consequence: missense variant.
Genome position (GRCh38, 1-based): chr9:289,575, A>G. VCF-style: chr9-289575-A-G. GRCh37 (hg19) VCF-style: chr9-289575-A-G.
Other names: c.194A>G, p.Asn65Ser (NM_001190458.2, NM_001193536.2); short protein forms N133S, N65S.
Identifiers: ClinVar variation 2123192 (VCV002123192.2), dbSNP rs1031812743, ClinGen allele CA187778831.